The following is an entry in ClinVar:

NM_006904.7(PRKDC):c.393T>C (p.Leu131=)

Gene: PRKDC (protein kinase, DNA-activated, catalytic subunit; minus strand). Cytogenetic location: 8q11.21.
Variant type: single nucleotide variant.
Coding change: c.393T>C on transcript NM_006904.7 (MANE Select); coding-DNA position 393, T replaced by C.
Protein change: p.Leu131=; no amino-acid change (leucine 131 retained).
Molecular consequence: synonymous variant.
Genome position (GRCh38, 1-based): chr8:47,955,880, A>G on the plus strand (T>C on the coding strand, the complement: PRKDC is on the minus strand). VCF-style: chr8-47955880-A-G. GRCh37 (hg19) VCF-style: chr8-48868440-A-G.
Other names: c.393T>C, p.Leu131= (NM_001081640.2).
Identifiers: ClinVar variation 740374 (VCV000740374.20), dbSNP rs373096832, ClinGen allele CA4742038.

ClinVar aggregate classification (germline): Likely benign. Review status: criteria provided, multiple submitters, no conflicts (2 of 4 stars). 5 submissions from 5 submitters: Likely benign (4). 1 of the submissions does not count toward it. Last evaluated 2026-01-16.

Conditions:
PRKDC-related disorder. Also called: PRKDC-related condition.
Severe combined immunodeficiency due to DNA-PKcs deficiency. Also called: Immunodeficiency 26 with or without neurologic abnormalities; IMMUNODEFICIENCY 26 WITH NEUROLOGIC ABNORMALITIES. Identifiers: Orphanet 317425, MedGen C4014833, MONDO:0014423, OMIM 615966.

Allele frequency attached by ClinVar (database versions not stated): gnomAD exomes 0.00007 and 0.00008; gnomAD 0.00011; ExAC 0.00013; TOPMed 0.00015; ESP Exome Variant Server 0.00017.
gnomAD v4.1: 136 of 1,589,068 alleles (0.0086%); highest among the groups gnomAD compares: Middle Eastern, 0.14%; no homozygotes.

Submissions (5):

Labcorp Genetics (formerly Invitae), Labcorp
Classification: Likely benign for Severe combined immunodeficiency due to DNA-PKcs deficiency. Last evaluated: 2026-01-16. Review status: criteria provided, single submitter. Criteria: Invitae Variant Classification Sherloc (09022015). Collection method: clinical testing. Allele origin: germline.

CeGaT Center for Human Genetics Tuebingen
Classification: Likely benign. Last evaluated: 2025-10-01. Review status: criteria provided, single submitter. Criteria: CeGaT Center For Human Genetics Tuebingen Variant Classification Criteria Version 2. Collection method: clinical testing. Allele origin: germline. Affected: yes. Observed: 1 variant allele.
Comment: PRKDC: BP4, BP7

Blueprint Genetics
Classification: Likely benign. Last evaluated: 2023-11-16. Review status: criteria provided, single submitter. Criteria: ACMG Guidelines, 2015. Collection method: clinical testing. Allele origin: germline.

Ambry Genetics
Classification: Likely benign. Last evaluated: 2022-02-22. Review status: criteria provided, single submitter. Criteria: Ambry Variant Classification Scheme 2023. Collection method: clinical testing. Allele origin: germline.

PreventionGenetics, part of Exact Sciences
Classification: Likely benign for PRKDC-related condition. Last evaluated: 2019-05-01. Review status: no assertion criteria provided. Collection method: clinical testing. Allele origin: germline. Not counted in ClinVar's aggregate classification.
Comment: This variant is classified as likely benign based on ACMG/AMP sequence variant interpretation guidelines (Richards et al. 2015 PMID: 25741868, with internal and published modifications).